The following is an entry in ClinVar:

NM_000051.4(ATM):c.7184A>T (p.Asp2395Val)

Genes: ATM (ATM serine/threonine kinase; plus strand), C11orf65 (chromosome 11 open reading frame 65; minus strand). Cytogenetic location: 11q22.3.
Variant type: single nucleotide variant.
Coding change: c.7184A>T on transcript NM_000051.4 (MANE Select); coding-DNA position 7184, A replaced by T.
Protein change: p.Asp2395Val; replaces aspartic acid 2395 with valine.
Molecular consequence: missense variant. On other transcripts: intron variant (2).
Genome position (GRCh38, 1-based): chr11:108,329,115, A>T. VCF-style: chr11-108329115-A-T. GRCh37 (hg19) VCF-style: chr11-108199842-A-T.
Other names: c.641-20044T>A (NM_001330368.2); c.*38+6105T>A (NM_001351110.2); c.7184A>T, p.Asp2395Val (NM_001351834.2); short protein forms D2395V.
Identifiers: ClinVar variation 485217 (VCV000485217.18), dbSNP rs1555122090, ClinGen allele CA382559579.

ClinVar aggregate classification (germline): Uncertain significance. Review status: criteria provided, multiple submitters, no conflicts (2 of 4 stars). 6 submissions from 6 submitters: Uncertain significance (6). Last evaluated 2025-03-12.

Conditions:
Hereditary cancer-predisposing syndrome. Also called: Neoplastic Syndromes, Hereditary; Hereditary Cancer Syndrome; Tumor predisposition; Hereditary neoplastic syndrome. Identifiers: Orphanet 140162, MedGen C0027672, MeSH D009386, MONDO:0015356.
Familial cancer of breast. Also called: Hereditary breast cancer; BREAST CANCER, FAMILIAL; hereditary breast carcinoma. Identifiers: Orphanet 227535, MedGen C0346153, MONDO:0016419, OMIM 114480. Disease mechanism: loss of function.
Ataxia-telangiectasia syndrome (AT). Also called: LOUIS-BAR SYNDROME; Cerebello-oculocutaneous telangiectasia; Immunodeficiency with ataxia telangiectasia; Ataxia-telangiectasia, complementation group D; AT, COMPLEMENTATION GROUP C; Ataxia-telangiectasia, complementation group E. Identifiers: Orphanet 100, MedGen C0004135, MONDO:0008840, OMIM 208900.

Allele frequency attached by ClinVar (database versions not stated): gnomAD exomes 0.00002.
gnomAD v4.1: 13 of 1,614,128 alleles (0.00081%); highest among the groups gnomAD compares: Non-Finnish European, 0.0011%; no homozygotes.

Submissions (6):

Ambry Genetics
Classification: Uncertain significance for Hereditary cancer-predisposing syndrome. Last evaluated: 2025-03-12. Review status: criteria provided, single submitter. Criteria: Ambry Variant Classification Scheme 2023. Collection method: clinical testing. Allele origin: germline.
Comment: The p.D2395V variant (also known as c.7184A>T), located in coding exon 48 of the ATM gene, results from an A to T substitution at nucleotide position 7184. The aspartic acid at codon 2395 is replaced by valine, an amino acid with highly dissimilar properties. This variant has been identified in multiple individuals diagnosed with breast cancer (Decker B et al. J Med Genet, 2017 Nov;54:732-741; Bhai P et al. Front Genet, 2021 Jul;12:698595). Additionally, this variant has been identified in conjunction with another ATM variant in three related individuals with features consistent with variant ataxia-telangiectasia; however, the phase of the two variants was not specified (Schon K et al. Ann Neurol, 2019 Feb;85:170-180). Immunoblots conducted on patient cells with this alteration show reduced but not absent protein with reduced kinase activity (Taylor AM et al. Clin. Genet., 2015 Mar;87:199-208; Ouillette P et al. Genes Chromosomes Cancer, 2012 Dec;51:1125-32). This amino acid position is highly conserved in available vertebrate species. In addition, this alteration is predicted to be deleterious by in silico analysis. Based on the available evidence, the clinical significance of this alteration remains unclear.

Color Diagnostics, LLC DBA Color Health
Classification: Uncertain significance for Hereditary cancer-predisposing syndrome. Last evaluated: 2024-09-04. Review status: criteria provided, single submitter. Criteria: ACMG Guidelines, 2015. Collection method: clinical testing. Allele origin: germline.
Comment: This missense variant replaces aspartic acid with valine at codon 2395 of the ATM protein. Computational prediction suggests that this variant may have deleterious impact on protein structure and function. Experimental functional studies with this variant have reported reduced ATM kinase activity and ATM protein levels in patient cells, indicating the variant may be hypomorphic (PMID: 25040471). This variant has been reported with ATM p.Glu2164* in three individuals from one family affected with mild or variant ataxia-telangiectasia (A-T) in the literature, but the phase of these alleles is unknown (PMID: 30549301). This variant has not been identified in the general population by the Genome Aggregation Database (gnomAD). The available evidence is insufficient to determine the role of this variant in disease conclusively. Therefore, this variant is classified as a Variant of Uncertain Significance.

Quest Diagnostics Nichols Institute San Juan Capistrano
Classification: Uncertain significance. Last evaluated: 2024-07-01. Review status: criteria provided, single submitter. Criteria: Quest Diagnostics criteria. Collection method: clinical testing. Allele origin: unknown.

Labcorp Genetics (formerly Invitae), Labcorp
Classification: Uncertain significance for Ataxia-telangiectasia syndrome. Last evaluated: 2023-08-16. Review status: criteria provided, single submitter. Criteria: Invitae Variant Classification Sherloc (09022015). Collection method: clinical testing. Allele origin: germline.
Comment: This missense change has been observed in individual(s) with clinical features of ATM-related conditions (PMID: 25040471). In summary, the available evidence is currently insufficient to determine the role of this variant in disease. Therefore, it has been classified as a Variant of Uncertain Significance. Experimental studies have shown that this missense change affects ATM function (PMID: 22952040, 25040471). An algorithm developed to predict the effect of missense changes on protein structure and function (PolyPhen-2) suggests that this variant is likely to be disruptive. ClinVar contains an entry for this variant (Variation ID: 485217). This variant is not present in population databases (gnomAD no frequency). This sequence change replaces aspartic acid, which is acidic and polar, with valine, which is neutral and non-polar, at codon 2395 of the ATM protein (p.Asp2395Val).

GeneDx
Classification: Uncertain significance. Last evaluated: 2023-06-07. Review status: criteria provided, single submitter. Criteria: GeneDx Variant Classification Process June 2021. Collection method: clinical testing. Allele origin: germline. Affected: yes.
Comment: Observed with a truncating ATM variant in three individuals from the same family with cerebellar ataxia and/or peripheral neuropathy and extrapyramidal features, but it is not known whether the variants occurred on the same (in cis) allele or on opposite (in trans) alleles (Schon et al., 2019); Published functional studies suggest this variant retains some residual kinase activity: showed reduced ATM expression, absence of autophosphorylation, and reduced levels of phosphorylation of downstream targets (Taylor et al., 2015); In silico analysis supports that this missense variant has a deleterious effect on protein structure/function; Not observed at significant frequency in large population cohorts (gnomAD); This variant is associated with the following publications: (PMID: 22952040, 23532176, 30549301, 25040471)

Fulgent Genetics
Classification: Uncertain significance for Familial cancer of breast; Ataxia-telangiectasia syndrome. Last evaluated: 2018-10-31. Review status: criteria provided, single submitter. Criteria: ACMG Guidelines, 2015. Collection method: clinical testing. Allele origin: unknown.

Literature cited by the submitters: PubMed 22952040 (cited by Ambry Genetics and Labcorp Genetics (formerly Invitae), Labcorp); PubMed 25040471 (cited by 4 submitters); PubMed 28779002 (cited by Ambry Genetics and Quest Diagnostics Nichols Institute San Juan Capistrano); PubMed 30549301 (cited by 3 submitters); PubMed 34326862 (cited by Ambry Genetics and Quest Diagnostics Nichols Institute San Juan Capistrano); PubMed 33471991 (cited by Quest Diagnostics Nichols Institute San Juan Capistrano).